The following is an entry in ClinVar:

NM_000038.6(APC):c.5819T>C (p.Ile1940Thr)

Gene: APC (APC regulator of Wnt signaling pathway; plus strand). Cytogenetic location: 5q22.2.
Variant type: single nucleotide variant.
Coding change: c.5819T>C on transcript NM_000038.6 (MANE Select); coding-DNA position 5819, T replaced by C.
Protein change: p.Ile1940Thr; replaces isoleucine 1940 with threonine.
Molecular consequence: missense variant. On other transcripts: non-coding transcript variant (2).
Genome position (GRCh38, 1-based): chr5:112,841,413, T>C. VCF-style: chr5-112841413-T-C. GRCh37 (hg19) VCF-style: chr5-112177110-T-C.
Other names: c.5441T>C, p.Ile1814Thr (NM_001354904.2); c.5339T>C, p.Ile1780Thr (NM_001354905.2); c.4970T>C, p.Ile1657Thr (NM_001354906.2, NM_001407470.1); c.5903T>C, p.Ile1968Thr (NM_001407446.1); c.5873T>C, p.Ile1958Thr (NM_001407447.1, NM_001407448.1, NM_001407449.1 and 1 more transcripts); c.5819T>C, p.Ile1940Thr (NM_001407450.1, NM_001127510.3, NM_001354895.2); c.5798T>C, p.Ile1933Thr (NM_001407451.1); c.5789T>C, p.Ile1930Thr (NM_001407452.1); and 11 more; short protein forms I1780T, I1814T, I1912T, I1950T, I1958T, I1968T, I1849T, I1922T.
Identifiers: ClinVar variation 3305268 (VCV003305268.1).
Genomic context (GRCh38, chr5:112,841,413, plus strand): 5'-GAGGTCAGCCTAAACCCATACTTCAGAAACAATCCACTTTTCCCCAGTCATCCAAAGACA[T>C]ACCAGACAGAGGGGCAGCAACTGATGAAAAGTTACAGAATTTTGCTATTGAAAATACTCC-3'
Protein context (NP_000029.2, residues 1930-1950): QSTFPQSSKD[Ile1940Thr]PDRGAATDEK

ClinVar aggregate classification (germline): Uncertain significance (1 of 4 stars; one submission).

Conditions:
Hereditary cancer-predisposing syndrome. Also called: Tumor predisposition; Hereditary Cancer Syndrome; Hereditary neoplastic syndrome; Neoplastic Syndromes, Hereditary. Identifiers: Orphanet 140162, MedGen C0027672, MeSH D009386, MONDO:0015356.

Submission:

Ambry Genetics
Classification: Uncertain significance for Hereditary cancer-predisposing syndrome. Last evaluated: 2024-05-08. Review status: criteria provided, single submitter. Criteria: Ambry Variant Classification Scheme 2023. Collection method: clinical testing. Allele origin: germline.
Comment: The p.I1940T variant (also known as c.5819T>C), located in coding exon 15 of the APC gene, results from a T to C substitution at nucleotide position 5819. The isoleucine at codon 1940 is replaced by threonine, an amino acid with similar properties. This amino acid position is conserved. In addition, in silico predictors for this gene do not accurately predict pathogenicity. Based on the available evidence, the clinical significance of this variant remains unclear.